The following is an entry in ClinVar:

NM_002470.4(MYH3):c.3199A>G (p.Ile1067Val)

Gene: MYH3 (myosin heavy chain 3; minus strand). Cytogenetic location: 17p13.1.
Variant type: single nucleotide variant.
Coding change: c.3199A>G on transcript NM_002470.4 (MANE Select); coding-DNA position 3199, A replaced by G.
Protein change: p.Ile1067Val; replaces isoleucine 1067 with valine.
Molecular consequence: missense variant.
Genome position (GRCh38, 1-based): chr17:10,639,093, T>C on the plus strand (A>G on the coding strand, the complement: MYH3 is on the minus strand). VCF-style: chr17-10639093-T-C. GRCh37 (hg19) VCF-style: chr17-10542410-T-C.
Other names: short protein forms I1067V.
Identifiers: ClinVar variation 2896611 (VCV002896611.3), dbSNP rs775785344, ClinGen allele CA398154300.
Genomic context (GRCh38, chr17:10,639,093, plus strand): 5'-GAAGGGCATACTTCTTGAGCCTTTCGTCCAGCTGTTGCTTGTCATTCTCCAGATCTAATA[T>C]GGACTCTTGAGCAAGCTTCAAGTCTCCTTCCAATTTCCTTTTGTTCCTTTCCAGGTCTAC-3'
Protein context (NP_002461.2, residues 1057-1077): EGDLKLAQES[Ile1067Val]LDLENDKQQL

ClinVar aggregate classification (germline): Uncertain significance (1 of 4 stars; one submission).

Allele frequency attached by ClinVar (database versions not stated): TOPMed 0.00001.
gnomAD v4.1: 6 of 1,614,240 alleles (0.00037%); highest among the groups gnomAD compares: African/African-American, 0.0027%; no homozygotes.

Submission:

Labcorp Genetics (formerly Invitae), Labcorp
Classification: Uncertain significance. Last evaluated: 2024-01-08. Review status: criteria provided, single submitter. Criteria: Invitae Variant Classification Sherloc (09022015). Collection method: clinical testing. Allele origin: germline.
Comment: This sequence change replaces isoleucine, which is neutral and non-polar, with valine, which is neutral and non-polar, at codon 1067 of the MYH3 protein (p.Ile1067Val). This variant is not present in population databases (gnomAD no frequency). This variant has not been reported in the literature in individuals affected with MYH3-related conditions. Advanced modeling of protein sequence and biophysical properties (such as structural, functional, and spatial information, amino acid conservation, physicochemical variation, residue mobility, and thermodynamic stability) performed at Invitae indicates that this missense variant is not expected to disrupt MYH3 protein function with a negative predictive value of 95%. In summary, the available evidence is currently insufficient to determine the role of this variant in disease. Therefore, it has been classified as a Variant of Uncertain Significance.